The following is an entry in ClinVar:

ClinVar aggregate classification (germline): Uncertain significance. Review status: criteria provided, multiple submitters, no conflicts (2 of 4 stars). 5 submissions from 5 submitters: Uncertain significance (4). 1 of the submissions does not count toward it. Last evaluated 2025-04-16.

Conditions:
Inborn genetic diseases. Identifiers: MedGen C0950123, MeSH D030342.
Retinal dystrophy. Also called: Inherited retinal dystrophy. Identifiers: Orphanet 71862, MedGen C0854723, MeSH D058499, MONDO:0019118, HP:0000556.
Retinitis pigmentosa (RP). Identifiers: Orphanet 791, MedGen C0035334, MeSH D012174, MONDO:0019200, OMIM 268000. Inheritance: Autosomal dominant, autosomal recessive and X linked inheritance.

Allele frequency attached by ClinVar (database versions not stated): TOPMed 0.00002; ExAC 0.00003; gnomAD 0.00003 and 0.00004; gnomAD exomes 0.00005 and 0.00013.
gnomAD v4.1: 189 of 1,614,088 alleles (0.012%); highest among the groups gnomAD compares: Non-Finnish European, 0.015%; 1 homozygote.

Submissions (5):

Labcorp Genetics (formerly Invitae), Labcorp
Classification: Uncertain significance. Last evaluated: 2025-04-16. Review status: criteria provided, single submitter. Criteria: Invitae Variant Classification Sherloc (09022015). Collection method: clinical testing. Allele origin: germline.
Comment: This sequence change replaces serine, which is neutral and polar, with phenylalanine, which is neutral and non-polar, at codon 625 of the PDE6A protein (p.Ser625Phe). The frequency data for this variant in the population databases is considered unreliable, as metrics indicate poor data quality at this position in the gnomAD database. This variant has not been reported in the literature in individuals affected with PDE6A-related conditions. ClinVar contains an entry for this variant (Variation ID: 855484). Invitae Evidence Modeling of protein sequence and biophysical properties (such as structural, functional, and spatial information, amino acid conservation, physicochemical variation, residue mobility, and thermodynamic stability) has been performed for this missense variant. However, the output from this modeling did not meet the statistical confidence thresholds required to predict the impact of this variant on PDE6A protein function. In summary, the available evidence is currently insufficient to determine the role of this variant in disease. Therefore, it has been classified as a Variant of Uncertain Significance.

Ambry Genetics
Classification: Uncertain significance for Inborn genetic diseases. Last evaluated: 2025-04-03. Review status: criteria provided, single submitter. Criteria: Ambry Variant Classification Scheme 2023. Collection method: clinical testing. Allele origin: germline.

Blueprint Genetics
Classification: Uncertain significance. Last evaluated: 2024-11-07. Review status: criteria provided, single submitter. Criteria: ACMG Guidelines, 2015. Collection method: clinical testing. Allele origin: germline.

Illumina Laboratory Services, Illumina
Classification: Uncertain significance for Retinitis pigmentosa. Last evaluated: 2018-01-12. Review status: criteria provided, single submitter. Criteria: ICSL Variant Classification Criteria 13 December 2019. Collection method: clinical testing. Allele origin: germline.

Institute of Human Genetics, Univ. Regensburg, Univ. Regensburg
Classification: Uncertain significance for Retinal dystrophy. Last evaluated: 2016-01-01. Review status: no assertion criteria provided. Criteria: ACMG Guidelines, 2015. Collection method: clinical testing. Allele origin: germline. Affected: yes. Not counted in ClinVar's aggregate classification.

NM_000440.3(PDE6A):c.1874C>T (p.Ser625Phe)

Gene: PDE6A (phosphodiesterase 6A; minus strand). Cytogenetic location: 5q32.
Variant type: single nucleotide variant.
Coding change: c.1874C>T on transcript NM_000440.3 (MANE Select); coding-DNA position 1874, C replaced by T.
Protein change: p.Ser625Phe; replaces serine 625 with phenylalanine.
Molecular consequence: missense variant.
Genome position (GRCh38, 1-based): chr5:149,884,832, G>A on the plus strand (C>T on the coding strand, the complement: PDE6A is on the minus strand). VCF-style: chr5-149884832-G-A. GRCh37 (hg19) VCF-style: chr5-149264395-G-A.
Other names: short protein forms S625F.
Identifiers: ClinVar variation 855484 (VCV000855484.14), dbSNP rs201535083, ClinGen allele CA3504501.